The following is an entry in ClinVar:

ClinVar aggregate classification (germline): Pathogenic. Review status: criteria provided, multiple submitters, no conflicts (2 of 4 stars). 2 submissions from 2 submitters: Pathogenic (2). Last evaluated 2025-04-19.

Conditions:
COL1A1-related disorder. Also called: COL1A1- related disease; COL1A1-related condition.

Submissions (2):

PreventionGenetics, part of Exact Sciences
Classification: Pathogenic for COL1A1-related condition. Last evaluated: 2025-04-19. Review status: criteria provided, single submitter. Criteria: ACMG Guidelines, 2015. Collection method: clinical testing. Allele origin: germline.
Comment: The COL1A1 c.358delC variant is predicted to result in a frameshift and premature protein termination (p.Arg120Glufs*145). To our knowledge, this variant has not been reported in the literature or in a large population database (gnomAD), indicating this variant is rare. Frameshift variants in COL1A1 are expected to be pathogenic. This variant is interpreted as pathogenic.

GeneDx
Classification: Pathogenic. Last evaluated: 2019-09-06. Review status: criteria provided, single submitter. Criteria: GeneDx Variant Classification Process June 2021. Collection method: clinical testing. Allele origin: germline. Affected: yes.
Comment: Frameshift variant predicted to result in protein truncation or nonsense mediated decay in a gene for which loss-of-function is a known mechanism of disease; Not observed in large population cohorts (Lek et al., 2016)

NM_000088.4(COL1A1):c.358del (p.Arg120fs)

Gene: COL1A1 (collagen type I alpha 1 chain; minus strand). Cytogenetic location: 17q21.33.
Variant type: Deletion.
Coding change: c.358del on transcript NM_000088.4 (MANE Select); coding-DNA position 358, one base deleted (C; older notation c.358delC).
Protein change: p.Arg120fs; shifts the reading frame from arginine 120.
Molecular consequence: frameshift variant.
Genome position (GRCh38, 1-based): chr17:50,199,429, G deleted on the plus strand (C on the coding strand, the reverse complement: COL1A1 is on the minus strand); the first of 5 consecutive G bases (chr17:50,199,429-50,199,433); deleting any one gives the same sequence. VCF-style (leftmost placement, unchanged base first): chr17-50199428-CG-C. GRCh37 (hg19) VCF-style: chr17-48276789-CG-C.
Other names: short protein forms R120fs.
Identifiers: ClinVar variation 1208385 (VCV001208385.4), dbSNP rs2144591969, ClinGen allele CA2499224740.